The following is an entry in ClinVar:

ClinVar aggregate classification (germline): Uncertain significance. Review status: criteria provided, multiple submitters, no conflicts (2 of 4 stars). 3 submissions from 3 submitters: Uncertain significance (3). Last evaluated 2024-08-27.

Conditions:
Inborn genetic diseases. Identifiers: MedGen C0950123, MeSH D030342.

Allele frequency attached by ClinVar (database versions not stated): gnomAD exomes 0.00001 and 0.00002; gnomAD 0.00002 and 0.00004; ExAC 0.00003; TOPMed 0.00005; ESP Exome Variant Server 0.00008.
gnomAD v4.1: 12 of 1,608,116 alleles (0.00075%); highest among the groups gnomAD compares: African/African-American, 0.0094%; no homozygotes.

Submissions (3):

Ambry Genetics
Classification: Uncertain significance for Inborn genetic diseases. Last evaluated: 2024-08-27. Review status: criteria provided, single submitter. Criteria: Ambry Variant Classification Scheme 2023. Collection method: clinical testing. Allele origin: germline.

Labcorp Genetics (formerly Invitae), Labcorp
Classification: Uncertain significance. Last evaluated: 2022-08-16. Review status: criteria provided, single submitter. Criteria: Invitae Variant Classification Sherloc (09022015). Collection method: clinical testing. Allele origin: germline.
Comment: This sequence change replaces glycine, which is neutral and non-polar, with aspartic acid, which is acidic and polar, at codon 866 of the HSPG2 protein (p.Gly866Asp). This variant is present in population databases (rs150004000, gnomAD 0.02%). In summary, the available evidence is currently insufficient to determine the role of this variant in disease. Therefore, it has been classified as a Variant of Uncertain Significance. Algorithms developed to predict the effect of missense changes on protein structure and function output the following: SIFT: "Tolerated"; PolyPhen-2: "Benign"; Align-GVGD: "Class C0". The aspartic acid amino acid residue is found in multiple mammalian species, which suggests that this missense change does not adversely affect protein function. ClinVar contains an entry for this variant (Variation ID: 1019473). This variant has not been reported in the literature in individuals affected with HSPG2-related conditions.

Revvity Omics, Revvity
Classification: Uncertain significance. Last evaluated: 2020-03-02. Review status: criteria provided, single submitter. Criteria: ACMG Guidelines, 2015. Collection method: clinical testing. Allele origin: germline.

NM_005529.7(HSPG2):c.2597G>A (p.Gly866Asp)

Gene: HSPG2 (heparan sulfate proteoglycan 2; minus strand). Cytogenetic location: 1p36.12.
Variant type: single nucleotide variant.
Coding change: c.2597G>A on transcript NM_005529.7 (MANE Select); coding-DNA position 2597, G replaced by A.
Protein change: p.Gly866Asp; replaces glycine 866 with aspartic acid.
Molecular consequence: missense variant.
Genome position (GRCh38, 1-based): chr1:21,878,453, C>T on the plus strand (G>A on the coding strand, the complement: HSPG2 is on the minus strand). VCF-style: chr1-21878453-C-T. GRCh37 (hg19) VCF-style: chr1-22204946-C-T.
Other names: c.2600G>A, p.Gly867Asp (NM_001291860.2); c.2597G>A (NM_005529.5); short protein forms G866D, G867D.
Identifiers: ClinVar variation 1019473 (VCV001019473.13), dbSNP rs150004000, ClinGen allele CA672982.